The following is an entry in ClinVar:

ClinVar aggregate classification (germline): Pathogenic/Likely pathogenic. Review status: criteria provided, multiple submitters, no conflicts (2 of 4 stars). 3 submissions from 3 submitters: Pathogenic (2); Likely pathogenic (1). Last evaluated 2025-11-13.

Conditions:
Juvenile retinoschisis (RS1). Also called: X-linked retinoschisis; X-Linked Juvenile Retinoschisis. Identifiers: Orphanet 792, MedGen C3714753, MONDO:0010725, OMIM 312700.
Retinal dystrophy. Also called: Inherited retinal dystrophy. Identifiers: Orphanet 71862, MedGen C0854723, MeSH D058499, MONDO:0019118, HP:0000556.

Submissions (3):

Labcorp Genetics (formerly Invitae), Labcorp
Classification: Pathogenic. Last evaluated: 2025-11-13. Review status: criteria provided, single submitter. Criteria: Invitae Variant Classification Sherloc (09022015). Collection method: clinical testing. Allele origin: germline.
Comment: This sequence change replaces aspartic acid, which is acidic and polar, with glycine, which is neutral and non-polar, at codon 126 of the RS1 protein (p.Asp126Gly). This variant is not present in population databases (gnomAD no frequency). This missense change has been observed in individual(s) with X-linked juvenile retinoschisis (PMID: 20151283; internal data). ClinVar contains an entry for this variant (Variation ID: 2637975). Invitae Evidence Modeling of protein sequence and biophysical properties (such as structural, functional, and spatial information, amino acid conservation, physicochemical variation, residue mobility, and thermodynamic stability) indicates that this missense variant is expected to disrupt RS1 protein function with a positive predictive value of 95%. This variant disrupts the p.Asp126 amino acid residue in RS1. Other variant(s) that disrupt this residue have been observed in individuals with RS1-related conditions (PMID: 29851975), which suggests that this may be a clinically significant amino acid residue. For these reasons, this variant has been classified as Pathogenic.

Institute of Human Genetics, Univ. Regensburg, Univ. Regensburg
Classification: Likely pathogenic for Retinal dystrophy. Last evaluated: 2023-01-01. Review status: criteria provided, single submitter. Criteria: ACMG Guidelines, 2015. Collection method: clinical testing. Allele origin: germline. Affected: yes.

Siriraj Ophthalmic Genetics Research, Faculty of Medicine Siriraj Hospital, Mahidol University
Classification: Pathogenic for Juvenile retinoschisis. Review status: criteria provided, single submitter. Criteria: ACMG Guidelines, 2015. Collection method: research, in vitro. Allele origin: germline, not applicable. Inheritance: X-linked inheritance. Affected: yes. Observed: 4 hemizygotes. Functional consequence: sequence_variant_causing_polypeptide_localization_change.

Literature cited by the submitters: PubMed 20151283 (cited by Labcorp Genetics (formerly Invitae), Labcorp and Institute of Human Genetics, Univ. Regensburg, Univ. Regensburg); PubMed 29851975 (cited by Labcorp Genetics (formerly Invitae), Labcorp).

NM_000330.4(RS1):c.377A>G (p.Asp126Gly)

Genes: CDKL5 (cyclin dependent kinase like 5; plus strand), RS1 (retinoschisin 1; minus strand). Cytogenetic location: Xp22.13.
Variant type: single nucleotide variant.
Coding change: c.377A>G on transcript NM_000330.4 (MANE Select); coding-DNA position 377, A replaced by G.
Protein change: p.Asp126Gly; replaces aspartic acid 126 with glycine.
Molecular consequence: missense variant. On other transcripts: intron variant (2).
Genome position (GRCh38, 1-based): chrX:18,644,575, T>C on the plus strand (A>G on the coding strand, the complement: RS1 is on the minus strand). VCF-style: chrX-18644575-T-C. GRCh37 (hg19) VCF-style: chrX-18662695-T-C.
Other names: c.2714-1432T>C (NM_003159.3, NM_001037343.2); short protein forms D126G.
Identifiers: ClinVar variation 2637975 (VCV002637975.5), dbSNP rs2518919972, ClinGen allele CA412372168.